The following is an entry in ClinVar:

ClinVar aggregate classification (germline): Uncertain significance (1 of 4 stars; one submission).

Allele frequency attached by ClinVar (database versions not stated): gnomAD exomes below 0.00001 and 0.00001.
gnomAD v4.1: 4 of 1,613,774 alleles (0.00025%); highest among the groups gnomAD compares: Admixed American, 0.0067%; no homozygotes.

Submission:

Labcorp Genetics (formerly Invitae), Labcorp
Classification: Uncertain significance. Last evaluated: 2021-08-30. Review status: criteria provided, single submitter. Criteria: Invitae Variant Classification Sherloc (09022015). Collection method: clinical testing. Allele origin: germline.
Comment: In summary, the available evidence is currently insufficient to determine the role of this variant in disease. Therefore, it has been classified as a Variant of Uncertain Significance. Algorithms developed to predict the effect of missense changes on protein structure and function are either unavailable or do not agree on the potential impact of this missense change (SIFT: "Not Available"; PolyPhen-2: "Not Available"; Align-GVGD: "Not Available"). This variant has not been reported in the literature in individuals affected with MAP3K20-related conditions. This variant is not present in population databases (ExAC no frequency). This sequence change replaces alanine with threonine at codon 756 of the MAP3K20 protein (p.Ala756Thr). The alanine residue is moderately conserved and there is a small physicochemical difference between alanine and threonine.

NM_016653.3(MAP3K20):c.2266G>A (p.Ala756Thr)

Genes: MAP3K20 (mitogen-activated protein kinase kinase kinase 20; plus strand), MAP3K20-AS1 (MAP3K20 antisense RNA 1; minus strand). Cytogenetic location: 2q31.1.
Variant type: single nucleotide variant.
Coding change: c.2266G>A on transcript NM_016653.3 (MANE Select); coding-DNA position 2266, G replaced by A.
Protein change: p.Ala756Thr; replaces alanine 756 with threonine.
Molecular consequence: missense variant.
Genome position (GRCh38, 1-based): chr2:173,266,613, G>A. VCF-style: chr2-173266613-G-A. GRCh37 (hg19) VCF-style: chr2-174131341-G-A.
Other names: short protein forms A756T.
Identifiers: ClinVar variation 1503403 (VCV001503403.4), dbSNP rs948856314, ClinGen allele CA60785279.